The following is an entry in ClinVar:

NM_004006.3(DMD):c.2827C>A (p.Arg943Ser)

Gene: DMD (dystrophin; minus strand). Cytogenetic location: Xp21.1.
Variant type: single nucleotide variant.
Coding change: c.2827C>A on transcript NM_004006.3 (MANE Select); coding-DNA position 2827, C replaced by A.
Protein change: p.Arg943Ser; replaces arginine 943 with serine.
Molecular consequence: missense variant.
Genome position (GRCh38, 1-based): chrX:32,472,286, G>T on the plus strand (C>A on the coding strand, the complement: DMD is on the minus strand). VCF-style: chrX-32472286-G-T. GRCh37 (hg19) VCF-style: chrX-32490403-G-T.
Other names: c.2803C>A, p.Arg935Ser (NM_000109.4); c.2815C>A, p.Arg939Ser (NM_004009.3); c.2458C>A, p.Arg820Ser (NM_004010.3); short protein forms R943S, R935S, R939S, R820S.
Identifiers: ClinVar variation 506134 (VCV000506134.6), dbSNP rs199986217, ClinGen allele CA412668239.

ClinVar aggregate classification (germline): Conflicting classifications of pathogenicity. Review status: criteria provided, conflicting classifications (1 of 4 stars). 2 submissions from 2 submitters: Uncertain significance (1); Likely benign (1). Last evaluated 2021-06-21.

Conditions:
Cardiovascular phenotype. Identifiers: MedGen CN230736.

Submissions (2):

Ambry Genetics
Classification: Uncertain significance for Cardiovascular phenotype. Last evaluated: 2021-06-21. Review status: criteria provided, single submitter. Criteria: Ambry Variant Classification Scheme 2023. Collection method: clinical testing. Allele origin: germline.
Comment: The p.R943S variant (also known as c.2827C>A), located in coding exon 22 of the DMD gene, results from a C to A substitution at nucleotide position 2827. The arginine at codon 943 is replaced by serine, an amino acid with dissimilar properties. This amino acid position is not well conserved in available vertebrate species. In addition, this alteration is predicted to be tolerated by in silico analysis. Since supporting evidence is limited at this time, the clinical significance of this alteration remains unclear.

Laboratory for Molecular Medicine, Mass General Brigham Personalized Medicine
Classification: Likely benign. Last evaluated: 2018-02-09. Review status: criteria provided, single submitter. Criteria: LMM Criteria. Collection method: clinical testing. Allele origin: germline. Observed: 2 variant alleles.
Comment: ACMG/AMP Criteria applied: BS2, BP1.